The following is an entry in ClinVar:

ClinVar aggregate classification (germline): Uncertain significance (1 of 4 stars; one submission).

Allele frequency attached by ClinVar (database versions not stated): TOPMed below 0.00001; ExAC 0.00001; gnomAD exomes 0.00001; gnomAD 0.00002.

Submission:

Labcorp Genetics (formerly Invitae), Labcorp
Classification: Uncertain significance. Last evaluated: 2025-02-05. Review status: criteria provided, single submitter. Criteria: Invitae Variant Classification Sherloc (09022015). Collection method: clinical testing. Allele origin: germline.
Comment: This sequence change replaces lysine, which is basic and polar, with arginine, which is basic and polar, at codon 390 of the ALPK3 protein (p.Lys390Arg). This variant is present in population databases (rs758323798, gnomAD 0.003%). This variant has not been reported in the literature in individuals affected with ALPK3-related conditions. ClinVar contains an entry for this variant (Variation ID: 1922788). Invitae Evidence Modeling of protein sequence and biophysical properties (such as structural, functional, and spatial information, amino acid conservation, physicochemical variation, residue mobility, and thermodynamic stability) indicates that this missense variant is expected to disrupt ALPK3 protein function with a positive predictive value of 80%. In summary, the available evidence is currently insufficient to determine the role of this variant in disease. Therefore, it has been classified as a Variant of Uncertain Significance.

NM_020778.5(ALPK3):c.563A>G (p.Lys188Arg)

Gene: ALPK3 (alpha kinase 3; plus strand). Cytogenetic location: 15q25.3.
Variant type: single nucleotide variant.
Coding change: c.563A>G on transcript NM_020778.5 (MANE Select); coding-DNA position 563, A replaced by G.
Protein change: p.Lys188Arg; replaces lysine 188 with arginine.
Molecular consequence: missense variant.
Genome position (GRCh38, 1-based): chr15:84,839,842, A>G. VCF-style: chr15-84839842-A-G. GRCh37 (hg19) VCF-style: chr15-85383073-A-G.
Other names: short protein forms K188R.
Identifiers: ClinVar variation 1922788 (VCV001922788.5), dbSNP rs758323798, ClinGen allele CA7708996.